The following is an entry in ClinVar:

NM_020821.3(VPS13C):c.8446-17_8446-16insA

Gene: VPS13C (vacuolar protein sorting 13 homolog C; minus strand). Cytogenetic location: 15q22.2.
Variant type: Insertion.
Coding change: c.8446-17_8446-16insA on transcript NM_020821.3 (MANE Select); 17 bases into the intron before coding-DNA position 8446 through 16 bases into the intron before coding-DNA position 8446, A inserted.
Molecular consequence: intron variant.
Genome position: GRCh38 VCF-style: chr15-61913431-C-CT. GRCh37 (hg19) VCF-style: chr15-62205630-C-CT.
Other names: c.8317-17_8317-16insA (NM_017684.5, NM_018080.4); c.8446-17_8446-16insA (NM_001018088.3).
Identifiers: ClinVar variation 2115053 (VCV002115053.4), dbSNP rs2547867789, ClinGen allele CA2580089831.

ClinVar aggregate classification (germline): Uncertain significance (1 of 4 stars; one submission).

Submission:

Labcorp Genetics (formerly Invitae), Labcorp
Classification: Uncertain significance. Last evaluated: 2022-03-20. Review status: criteria provided, single submitter. Criteria: Invitae Variant Classification Sherloc (09022015). Collection method: clinical testing. Allele origin: germline.
Comment: In summary, the available evidence is currently insufficient to determine the role of this variant in disease. Therefore, it has been classified as a Variant of Uncertain Significance. Algorithms developed to predict the effect of sequence changes on RNA splicing suggest that this variant may disrupt the consensus splice site. This variant has not been reported in the literature in individuals affected with VPS13C-related conditions. This variant is not present in population databases (gnomAD no frequency). This sequence change falls in intron 61 of the VPS13C gene. It does not directly change the encoded amino acid sequence of the VPS13C protein.